The following is an entry in ClinVar:

NM_012330.4(KAT6B):c.4379del (p.Phe1459_Leu1460insTer)

Gene: KAT6B (lysine acetyltransferase 6B; plus strand). Cytogenetic location: 10q22.2.
Variant type: Deletion.
Coding change: c.4379del on transcript NM_012330.4 (MANE Select); coding-DNA position 4379, one base deleted (T; older notation c.4379delT).
Protein change: p.Phe1459_Leu1460insTer.
Molecular consequence: nonsense.
Genome position (GRCh38, 1-based): chr10:75,029,203, T deleted; the last of 6 consecutive T bases (chr10:75,029,198-75,029,203); deleting any one gives the same sequence. VCF-style (leftmost placement, unchanged base first): chr10-75029197-CT-C. GRCh37 (hg19) VCF-style: chr10-76788955-CT-C.
Other names: c.3830del, p.Phe1276_Leu1277insTer (NM_001256468.2, NM_001370138.1); c.3503del, p.Phe1167_Leu1168insTer (NM_001256469.2, NM_001370139.1, NM_001370140.1 and 2 more transcripts); c.3341del, p.Phe1113_Leu1114insTer (NM_001370132.1); c.2690del, p.Phe896_Leu897insTer (NM_001370133.1); c.2294del, p.Phe764_Leu765insTer (NM_001370134.1); c.2036del, p.Phe678_Leu679insTer (NM_001370135.1); c.4379del, p.Phe1459_Leu1460insTer (NM_001370136.1, NM_001370137.1); c.3314del, p.Phe1104_Leu1105insTer (NM_001370143.1, NM_001370144.1).
Identifiers: ClinVar variation 372652 (VCV000372652.2), dbSNP rs1057517906, ClinGen allele CA16042713.

ClinVar aggregate classification (germline): Pathogenic (1 of 4 stars; one submission).

Submission:

GeneDx
Classification: Pathogenic. Last evaluated: 2015-08-04. Review status: criteria provided, single submitter. Criteria: GeneDx Variant Classification (06012015). Collection method: clinical testing. Allele origin: germline. Affected: yes.
Comment: The c.4379delT variant in the KAT6B gene has not been published as a pathogenic variant, nor has it been reported as a benign polymorphism to our knowledge. The c.4379delT variant changes codon Leucine 1460 to a premature Stop codon, denoted p.Leu1460Ter. This variant is predicted to cause loss of normal protein function through protein truncation. The c.4379delT variant was not observed in approximately 6,500 individuals of European and African American ancestry in the NHLBI Exome Sequencing Project, indicating it is not a common benign variant in these populations. We interpret c.4379delT as a pathogenic variant, which may be associated with the cardiac defects, cleft palate, and arthrogryposis.